The following is an entry in ClinVar:

ClinVar aggregate classification (germline): Uncertain significance (1 of 4 stars; one submission).

Allele frequency attached by ClinVar (database versions not stated): ExAC 0.00005; TOPMed 0.00007; ESP Exome Variant Server 0.00008; gnomAD 0.00008; gnomAD exomes 0.00018.
gnomAD v4.1: 273 of 1,614,056 alleles (0.017%); highest among the groups gnomAD compares: Non-Finnish European, 0.022%; no homozygotes.

Submission:

Labcorp Genetics (formerly Invitae), Labcorp
Classification: Uncertain significance. Last evaluated: 2022-09-25. Review status: criteria provided, single submitter. Criteria: Invitae Variant Classification Sherloc (09022015). Collection method: clinical testing. Allele origin: germline.
Comment: This sequence change replaces asparagine, which is neutral and polar, with aspartic acid, which is acidic and polar, at codon 630 of the TMPRSS15 protein (p.Asn630Asp). This variant is present in population databases (rs375750429, gnomAD 0.02%). This variant has not been reported in the literature in individuals affected with TMPRSS15-related conditions. Algorithms developed to predict the effect of missense changes on protein structure and function are either unavailable or do not agree on the potential impact of this missense change (SIFT: "Not Available"; PolyPhen-2: "Probably Damaging"; Align-GVGD: "Not Available"). In summary, the available evidence is currently insufficient to determine the role of this variant in disease. Therefore, it has been classified as a Variant of Uncertain Significance.

NM_002772.3(TMPRSS15):c.1888A>G (p.Asn630Asp)

Gene: TMPRSS15 (transmembrane serine protease 15; minus strand). Cytogenetic location: 21q21.1.
Variant type: single nucleotide variant.
Coding change: c.1888A>G on transcript NM_002772.3 (MANE Select); coding-DNA position 1888, A replaced by G.
Protein change: p.Asn630Asp; replaces asparagine 630 with aspartic acid.
Molecular consequence: missense variant.
Genome position (GRCh38, 1-based): chr21:18,326,465, T>C on the plus strand (A>G on the coding strand, the complement: TMPRSS15 is on the minus strand). VCF-style: chr21-18326465-T-C. GRCh37 (hg19) VCF-style: chr21-19698782-T-C.
Other names: short protein forms N630D.
Identifiers: ClinVar variation 2185375 (VCV002185375.1), dbSNP rs375750429, ClinGen allele CA9984287.